The following is an entry in ClinVar:

NM_012096.3(APPL1):c.214C>T (p.Arg72Cys)

Gene: APPL1 (adaptor protein, phosphotyrosine interacting with PH domain and leucine zipper 1; plus strand). Cytogenetic location: 3p14.3.
Variant type: single nucleotide variant.
Coding change: c.214C>T on transcript NM_012096.3 (MANE Select); coding-DNA position 214, C replaced by T.
Protein change: p.Arg72Cys; replaces arginine 72 with cysteine.
Molecular consequence: missense variant.
Genome position (GRCh38, 1-based): chr3:57,238,045, C>T. VCF-style: chr3-57238045-C-T. GRCh37 (hg19) VCF-style: chr3-57272073-C-T.
Other names: short protein forms R72C.
Identifiers: ClinVar variation 3375279 (VCV003375279.2).
Genomic context (GRCh38, chr3:57,238,045, plus strand): 5'-AATGTCATTCCCAAAAGACACAGCATTGAAACTTTACCTCATCTGTTTCTTGCTTTTCAG[C>T]GTTTTCCATTGGGAGGTGATGATGAAGTTATGAGCTCTACATTGCAACAGTTTTCAAAAG-3'
Protein context (NP_036228.1, residues 62-82): SKLLKEYEKQ[Arg72Cys]FPLGGDDEVM

ClinVar aggregate classification (germline): Uncertain significance. Review status: criteria provided, multiple submitters, no conflicts (2 of 4 stars). 2 submissions from 2 submitters: Uncertain significance (2). Last evaluated 2024-09-23.

Conditions:
Maturity-onset diabetes of the young type 14. Also called: MODY 14. Identifiers: Orphanet 552, MedGen C4225299, MONDO:0014674, OMIM 616511.

gnomAD v4.1: 11 of 1,606,628 alleles (0.00068%); highest among the groups gnomAD compares: East Asian, 0.0022%; no homozygotes.

Submissions (2):

Women's Health and Genetics/Laboratory Corporation of America, LabCorp
Classification: Uncertain significance. Last evaluated: 2024-09-23. Review status: criteria provided, single submitter. Criteria: LabCorp Variant Classification Summary - May 2015. Collection method: clinical testing. Allele origin: germline.
Comment: Variant summary: APPL1 c.214C>T (p.Arg72Cys) results in a non-conservative amino acid change located in the BAR domain (IPR004148) of the encoded protein sequence. Three of five in-silico tools predict a damaging effect of the variant on protein function. Consensus agreement among computation tools predict no significant impact on normal splicing. However, these predictions have yet to be confirmed by functional studies. The variant allele was found at a frequency of 8.1e-06 in 246806 control chromosomes. The available data on variant occurrences in the general population are insufficient to allow any conclusion about variant significance. To our knowledge, no occurrence of c.214C>T in individuals affected with Maturity-Onset Diabetes Of The Young Type 14 and no experimental evidence demonstrating its impact on protein function have been reported. No submitters have cited clinical-significance assessments for this variant to ClinVar. Based on the evidence outlined above, the variant was classified as uncertain significance.

Kasturba Medical College, Manipal, Kasturba Medical College, Manipal, Manipal Academy of Higher Education, Manipal, India
Classification: Uncertain significance for Maturity-onset diabetes of the young type 14. Review status: criteria provided, single submitter. Criteria: ACMG Guidelines, 2015. Collection method: research. Allele origin: paternal. Inheritance: Autosomal dominant inheritance. Affected: yes. Observed: 1 heterozygote.
Comment: The variant is present in eleven individuals (allele frequency: 0.000006847) in heterozygous state and absent in homozygous state in gnomAD population database (v4.1.0). This variant is absent in heterozygous and/or homozygous state in our in-house database of 3793 exomes. In silico analysis tools (CADD_phred, mutation_taster) predict the variant to be damaging to APPL1 protein function. This variant is reported as variant of uncertain significance in ClinVar database by a single submitter (Variation ID: VCV003375279.1). Disease-causing variants in APPL1 exhibit incomplete penetrance and variable age of onset among affected individuals (Prudente et al., 2015).

Literature cited by the submitters: PubMed 26073777 (cited by Kasturba Medical College, Manipal, Kasturba Medical College, Manipal, Manipal Academy of Higher Education, Manipal, India).